The following is an entry in ClinVar:

ClinVar aggregate classification (germline): Uncertain significance (1 of 4 stars; one submission).

Conditions:
Catecholaminergic polymorphic ventricular tachycardia (CVPT). Also called: Catecholamine-induced polymorphic ventricular tachycardia. Identifiers: Orphanet 3286, MedGen C5574922, MONDO:0017990.

Submission:

All of Us Research Program, National Institutes of Health
Classification: Uncertain significance for Catecholaminergic polymorphic ventricular tachycardia. Last evaluated: 2023-04-27. Review status: criteria provided, single submitter. Criteria: ACMG Guidelines, 2015. Collection method: clinical testing. Allele origin: germline. Inheritance: Autosomal dominant inheritance. Observed: 1 variant allele, 1 heterozygote.
Comment: This study involves interpretation of variants in research participants for the purpose of population health screening. Participant phenotype was not available at the time of variant classification. Additional details can be found in publication PMID: 35346344, PMCID: PMC8962531

NM_001035.3(RYR2):c.5185A>G (p.Met1729Val)

Gene: RYR2 (ryanodine receptor 2; plus strand). Cytogenetic location: 1q43.
Variant type: single nucleotide variant.
Coding change: c.5185A>G on transcript NM_001035.3 (MANE Select); coding-DNA position 5185, A replaced by G.
Protein change: p.Met1729Val; replaces methionine 1729 with valine.
Molecular consequence: missense variant.
Genome position (GRCh38, 1-based): chr1:237,614,313, A>G. VCF-style: chr1-237614313-A-G. GRCh37 (hg19) VCF-style: chr1-237777613-A-G.
Other names: short protein forms M1729V.
Identifiers: ClinVar variation 3070036 (VCV003070036.1), dbSNP rs2546792633, ClinGen allele CA345404202.